The following is an entry in ClinVar:

NM_000268.4(NF2):c.691G>A (p.Glu231Lys)

Gene: NF2 (NF2, moesin-ezrin-radixin like (MERLIN) tumor suppressor; plus strand). Cytogenetic location: 22q12.2.
Variant type: single nucleotide variant.
Coding change: c.691G>A on transcript NM_000268.4 (MANE Select); coding-DNA position 691, G replaced by A.
Protein change: p.Glu231Lys; replaces glutamic acid 231 with lysine.
Molecular consequence: missense variant. On other transcripts: non-coding transcript variant (1), intron variant (4).
Genome position (GRCh38, 1-based): chr22:29,661,220, G>A. VCF-style: chr22-29661220-G-A. GRCh37 (hg19) VCF-style: chr22-30057209-G-A.
Other names: c.442G>A, p.Glu148Lys (NM_181831.3, NM_001407063.1, NM_001407064.1 and 1 more transcripts); c.691G>A, p.Glu231Lys (NM_181832.3, NM_001407060.1, NM_001407066.1 and 2 more transcripts); c.675+2956G>A (NM_001407059.1, NM_001407057.1); c.447+18935G>A (NM_181833.3); c.552+2956G>A (NM_001407062.1); c.157G>A, p.Glu53Lys (NM_001407065.1); c.460G>A, p.Glu154Lys (NM_001407067.1); c.565G>A, p.Glu189Lys (NM_181828.3, NM_001407055.1); and 2 more; short protein forms E154K, E193K, E189K, E190K, E231K, E148K, E53K.
Identifiers: ClinVar variation 5025702 (VCV005025702.1).
Genomic context (GRCh38, chr22:29,661,220, plus strand): 5'-AGCCTCAGCTGGCGCTTACAGTAGCTGTTCTTATTGGATCCACAGAATAAAAAGGGCACA[G>A]AGCTGCTGCTTGGAGTGGATGCCCTGGGGCTTCACATTTATGACCCTGAGAACAGACTGA-3'
Protein context (NP_000259.1, residues 221-241): YFAIRNKKGT[Glu231Lys]LLLGVDALGL

ClinVar aggregate classification (germline): Uncertain significance (1 of 4 stars; one submission).

Conditions:
Hereditary cancer-predisposing syndrome. Also called: Neoplastic Syndromes, Hereditary; Tumor predisposition; Hereditary neoplastic syndrome; Hereditary Cancer Syndrome. Identifiers: Orphanet 140162, MedGen C0027672, MeSH D009386, MONDO:0015356.

Submission:

Ambry Genetics
Classification: Uncertain significance for Hereditary cancer-predisposing syndrome. Last evaluated: 2026-07-13. Review status: criteria provided, single submitter. Criteria: Ambry Variant Classification Scheme 2023. Collection method: clinical testing. Allele origin: germline.
Comment: The p.E231K variant (also known as c.691G>A), located in coding exon 8 of the NF2 gene, results from a G to A substitution at nucleotide position 691. The glutamic acid at codon 231 is replaced by lysine, an amino acid with similar properties. This amino acid position is conserved. In addition, the in silico prediction for this alteration is inconclusive. Based on the available evidence, the clinical significance of this variant remains unclear.